The following is an entry in ClinVar:

NM_004360.5(CDH1):c.975C>A (p.Val325=)

Gene: CDH1 (cadherin 1; plus strand). Cytogenetic location: 16q22.1.
Variant type: single nucleotide variant.
Coding change: c.975C>A on transcript NM_004360.5 (MANE Select); coding-DNA position 975, C replaced by A.
Protein change: p.Val325=; no amino-acid change (valine 325 retained).
Molecular consequence: synonymous variant. On other transcripts: 5 prime UTR variant (2).
Genome position (GRCh38, 1-based): chr16:68,811,826, C>A. VCF-style: chr16-68811826-C-A. GRCh37 (hg19) VCF-style: chr16-68845729-C-A.
Other names: c.975C>A, p.Val325= (NM_001317184.2); c.-641C>A (NM_001317185.2); c.-845C>A (NM_001317186.2).
Identifiers: ClinVar variation 3378849 (VCV003378849.1).
Genomic context (GRCh38, chr16:68,811,826, plus strand): 5'-CAGCCAAGATCCTGAGCTCCCTGACAAAAATATGTTCACCATTAACAGGAACACAGGAGT[C>A]ATCAGTGTGGTCACCACTGGGCTGGACCGAGAGGTCAGGGGTCAGGAGGATCCAGAGGGT-3'
Protein context (NP_004351.1, residues 315-335): NMFTINRNTG[Val325=]ISVVTTGLDR

ClinVar aggregate classification (germline): Benign (1 of 4 stars; one submission).

Conditions:
Hereditary diffuse gastric adenocarcinoma (HDGC). Also called: DIFFUSE GASTRIC AND LOBULAR BREAST CANCER SYNDROME. Identifiers: Orphanet 26106, MedGen C1708349, MONDO:0007648, OMIM 137215.

Submission:

Myriad Genetics, Inc.
Classification: Benign for Hereditary diffuse gastric adenocarcinoma. Last evaluated: 2024-09-17. Review status: criteria provided, single submitter. Criteria: Myriad Autosomal Dominant, Autosomal Recessive and X-Linked Classification Criteria (2023). Collection method: clinical testing. Allele origin: unknown.
Comment: This variant is considered benign. This variant is a silent/synonymous amino acid change and it is not expected to impact splicing.